The following is an entry in ClinVar:

NM_000138.5(FBN1):c.3112C>T (p.Leu1038Phe)

Gene: FBN1 (fibrillin 1; minus strand). Cytogenetic location: 15q21.1.
Variant type: single nucleotide variant.
Coding change: c.3112C>T on transcript NM_000138.5 (MANE Select); coding-DNA position 3112, C replaced by T.
Protein change: p.Leu1038Phe; replaces leucine 1038 with phenylalanine.
Molecular consequence: missense variant.
Genome position (GRCh38, 1-based): chr15:48,488,464, G>A on the plus strand (C>T on the coding strand, the complement: FBN1 is on the minus strand). VCF-style: chr15-48488464-G-A. GRCh37 (hg19) VCF-style: chr15-48780661-G-A.
Other names: short protein forms L1038F.
Identifiers: ClinVar variation 1332021 (VCV001332021.2), dbSNP rs1297814403, ClinGen allele CA392328177.
Genomic context (GRCh38, chr15:48,488,464, plus strand): 5'-CGCTGTCACACCTGCACTTAAAGCTGCCAATGGTGTTTCTGCACTTGCCGTGGGTGCAGA[G>A]GCTGGGTATCATCTTGCACTCATTGATATCTTCAAGAATAAGAAAATGTGGGGCAAAATA-3'
Protein context (NP_000129.3, residues 1028-1048): DINECKMIPS[Leu1038Phe]CTHGKCRNTI

ClinVar aggregate classification (germline): Uncertain significance (1 of 4 stars; one submission).

Conditions:
Familial thoracic aortic aneurysm and aortic dissection (TAAD). Also called: Thoracic aortic aneurysms and dissections. Identifiers: Orphanet 91387, MedGen C4707243, MONDO:0019625.

Allele frequency attached by ClinVar (database versions not stated): gnomAD exomes below 0.00001.
gnomAD v4.1: 1 of 1,614,110 alleles (0.000062%); highest among the groups gnomAD compares: Non-Finnish European, 0.000085%; no homozygotes.

Submission:

Color Diagnostics, LLC DBA Color Health
Classification: Uncertain significance for Familial thoracic aortic aneurysm and aortic dissection. Last evaluated: 2021-07-15. Review status: criteria provided, single submitter. Criteria: ACMG Guidelines, 2015. Collection method: clinical testing. Allele origin: germline.
Comment: This missense variant replaces leucine with phenylalanine at codon 1038 of the FBN1 protein. Computational prediction is inconclusive regarding the impact of this variant on protein structure and function (internally defined REVEL score threshold 0.5 < inconclusive < 0.7, PMID: 27666373). To our knowledge, functional studies have not been reported for this variant. This variant has been reported in an individual and the mother, who both showed clinical features of Marfan syndrome (PMID: 23552953). This variant has been identified in 1/251434 chromosomes in the general population by the Genome Aggregation Database (gnomAD). The available evidence is insufficient to determine the role of this variant in disease conclusively. Therefore, this variant is classified as a Variant of Uncertain Significance.